The following is an entry in ClinVar:

ClinVar aggregate classification (germline): Uncertain significance (1 of 4 stars; one submission).

Conditions:
Hereditary cancer-predisposing syndrome. Also called: Tumor predisposition; Neoplastic Syndromes, Hereditary; Hereditary Cancer Syndrome; Hereditary neoplastic syndrome. Identifiers: Orphanet 140162, MedGen C0027672, MeSH D009386, MONDO:0015356.

Submission:

Ambry Genetics
Classification: Uncertain significance for Hereditary cancer-predisposing syndrome. Last evaluated: 2024-08-21. Review status: criteria provided, single submitter. Criteria: Ambry Variant Classification Scheme 2023. Collection method: clinical testing. Allele origin: germline.
Comment: The p.L358M variant (also known as c.1072C>A), located in coding exon 9 of the BRCA1 gene, results from a C to A substitution at nucleotide position 1072. The leucine at codon 358 is replaced by methionine, an amino acid with highly similar properties. This amino acid position is conserved. In addition, the in silico prediction for this alteration is inconclusive. Based on the available evidence, the clinical significance of this variant remains unclear.

NM_007294.4(BRCA1):c.1072C>A (p.Leu358Met)

Gene: BRCA1 (BRCA1 DNA repair associated; minus strand). Cytogenetic location: 17q21.31.
Variant type: single nucleotide variant.
Coding change: c.1072C>A on transcript NM_007294.4 (MANE Select); coding-DNA position 1072, C replaced by A.
Protein change: p.Leu358Met; replaces leucine 358 with methionine.
Molecular consequence: missense variant. On other transcripts: intron variant (137).
Genome position (GRCh38, 1-based): chr17:43,094,459, G>T on the plus strand (C>A on the coding strand, the complement: BRCA1 is on the minus strand). VCF-style: chr17-43094459-G-T. GRCh37 (hg19) VCF-style: chr17-41246476-G-T.
Other names: c.931C>A, p.Leu311Met (NM_001407729.1, NM_001407730.1, NM_001407731.1 and 29 more transcripts); c.1072C>A, p.Leu358Met (NM_001407581.1, NM_001407582.1, NM_001407583.1 and 30 more transcripts); c.1069C>A, p.Leu357Met (NM_001407587.1, NM_001407590.1, NM_001407591.1 and 22 more transcripts); c.1063C>A, p.Leu355Met (NM_001407646.1, NM_001407647.1); c.949C>A, p.Leu317Met (NM_001407648.1, NM_001407664.1, NM_001407665.1 and 19 more transcripts); c.946C>A, p.Leu316Met (NM_001407649.1, NM_001407670.1, NM_001407671.1 and 11 more transcripts); c.994C>A, p.Leu332Met (NM_001407653.1, NM_001407654.1, NM_001407655.1 and 4 more transcripts); c.991C>A, p.Leu331Met (NM_001407659.1, NM_001407660.1, NM_001407661.1 and 1 more transcripts); and 40 more; short protein forms L290M, L317M, L357M, L62M, L190M, L247M, L269M, L287M.
Identifiers: ClinVar variation 3481848 (VCV003481848.1).